The following is an entry in ClinVar:

ClinVar aggregate classification (germline): Uncertain significance (1 of 4 stars; one submission).

Allele frequency attached by ClinVar (database versions not stated): gnomAD exomes below 0.00001; gnomAD 0.00001; TOPMed 0.00001.
gnomAD v4.1: 7 of 1,614,062 alleles (0.00043%); highest among the groups gnomAD compares: African/African-American, 0.0013%; no homozygotes.

Submission:

Labcorp Genetics (formerly Invitae), Labcorp
Classification: Uncertain significance. Last evaluated: 2024-01-20. Review status: criteria provided, single submitter. Criteria: Invitae Variant Classification Sherloc (09022015). Collection method: clinical testing. Allele origin: germline.
Comment: This sequence change affects codon 1197 of the DSCAML1 mRNA. It is a 'silent' change, meaning that it does not change the encoded amino acid sequence of the DSCAML1 protein. It affects a nucleotide within the consensus splice site. This variant is present in population databases (no rsID available, gnomAD 0.0009%). This variant has not been reported in the literature in individuals affected with DSCAML1-related conditions. Algorithms developed to predict the effect of sequence changes on RNA splicing suggest that this variant is not likely to affect RNA splicing. In summary, the available evidence is currently insufficient to determine the role of this variant in disease. Therefore, it has been classified as a Variant of Uncertain Significance.

NM_020693.4(DSCAML1):c.3411G>A (p.Gly1137=)

Gene: DSCAML1 (DS cell adhesion molecule like 1; minus strand). Cytogenetic location: 11q23.3.
Variant type: single nucleotide variant.
Coding change: c.3411G>A on transcript NM_020693.4 (MANE Select); coding-DNA position 3411, G replaced by A.
Protein change: p.Gly1137=; no amino-acid change (glycine 1137 retained).
Molecular consequence: synonymous variant.
Genome position (GRCh38, 1-based): chr11:117,461,451, C>T on the plus strand (G>A on the coding strand, the complement: DSCAML1 is on the minus strand). VCF-style: chr11-117461451-C-T. GRCh37 (hg19) VCF-style: chr11-117332167-C-T.
Identifiers: ClinVar variation 2998556 (VCV002998556.3), dbSNP rs1330972633, ClinGen allele CA476896469.